The following is an entry in ClinVar:

NM_021098.3(CACNA1H):c.3487C>T (p.Arg1163Cys)

Gene: CACNA1H (calcium voltage-gated channel subunit alpha1 H; plus strand). Cytogenetic location: 16p13.3.
Variant type: single nucleotide variant.
Coding change: c.3487C>T on transcript NM_021098.3 (MANE Select); coding-DNA position 3487, C replaced by T.
Protein change: p.Arg1163Cys; replaces arginine 1163 with cysteine.
Molecular consequence: missense variant.
Genome position (GRCh38, 1-based): chr16:1,209,155, C>T. VCF-style: chr16-1209155-C-T. GRCh37 (hg19) VCF-style: chr16-1259155-C-T.
Other names: c.3487C>T, p.Arg1163Cys (NM_001005407.2); short protein forms R1163C.
Identifiers: ClinVar variation 3388624 (VCV003388624.16).

ClinVar aggregate classification (germline): Conflicting classifications of pathogenicity. Review status: criteria provided, conflicting classifications (1 of 4 stars). 2 submissions from 2 submitters: Uncertain significance (1); Benign (1). Last evaluated 2025-07-21.

Conditions:
Idiopathic generalized epilepsy. Also called: EIG; Generalised epilepsy. Identifiers: MedGen C0270850, MONDO:0005579, OMIM 600669.
Hyperaldosteronism, familial, type IV (HALD4). Also called: FH IV; ALDOSTERONISM, PRIMARY, AND HYPERTENSION. Identifiers: Orphanet 642671, MedGen C4310756, MONDO:0014875, OMIM 617027.

Submissions (2):

Labcorp Genetics (formerly Invitae), Labcorp
Classification: Benign for Idiopathic generalized epilepsy; Hyperaldosteronism, familial, type IV. Last evaluated: 2025-07-21. Review status: criteria provided, single submitter. Criteria: Invitae Variant Classification Sherloc (09022015). Collection method: clinical testing. Allele origin: germline.

CeGaT Center for Human Genetics Tuebingen
Classification: Uncertain significance. Last evaluated: 2024-10-01. Review status: criteria provided, single submitter. Criteria: CeGaT Center For Human Genetics Tuebingen Variant Classification Criteria Version 2. Collection method: clinical testing. Allele origin: germline. Affected: yes. Observed: 1 variant allele.
Comment: CACNA1H: PP3